The following is an entry in ClinVar:

ClinVar aggregate classification (germline): Benign. Review status: criteria provided, multiple submitters, no conflicts (2 of 4 stars). 2 submissions from 2 submitters: Benign (2). Last evaluated 2025-09-22.

Conditions:
Atypical hemolytic-uremic syndrome with thrombomodulin anomaly. Also called: HEMOLYTIC UREMIC SYNDROME, ATYPICAL, SUSCEPTIBILITY TO, 6; AHUS, SUSCEPTIBILITY TO, 6. Identifiers: MedGen C2752036, MONDO:0013044, OMIM 612926. Disease mechanism: gain of function.
Thrombomodulin-related bleeding disorder (THPH12). Also called: Thrombophilia due to thrombomodulin defect. Identifiers: Orphanet 436169, MedGen C3280976, MONDO:0013775, OMIM 614486.

Allele frequency attached by ClinVar (database versions not stated): gnomAD 0.00836 and 0.00974; gnomAD exomes 0.01083; TOPMed 0.01099; 1000 Genomes Project 30x 0.02561; 1000 Genomes Project 0.02815.
gnomAD v4.1: 5,567 of 536,092 alleles (1%); highest among the groups gnomAD compares: East Asian, 10%; 208 homozygotes.

Submissions (2):

Genomenon, Inc
Classification: Benign for Thrombomodulin-related bleeding disorder. Last evaluated: 2025-09-22. Review status: criteria provided, single submitter. Criteria: Genomenon Sequence Variant Interpretation Standards - Updated. Collection method: curation. Allele origin: germline. Affected: no.
Comment: THBD c.*277G>A is a variant located in the 3′ untranslated region (3′ UTR). This variant is present at high allele frequency in population databases. In conclusion, we classify THBD c.*277G>A as a benign variant.

Illumina Laboratory Services, Illumina
Classification: Benign for Atypical hemolytic-uremic syndrome with thrombomodulin anomaly. Last evaluated: 2018-01-12. Review status: criteria provided, single submitter. Criteria: ICSL Variant Classification Criteria 13 December 2019. Collection method: clinical testing. Allele origin: germline.
Comment: This variant was observed in the ICSL laboratory as part of a predisposition screen in an ostensibly healthy population. It had not been previously curated by ICSL or reported in the Human Gene Mutation Database (HGMD: prior to June 1st, 2018), and was therefore a candidate for classification through an automated scoring system. Utilizing variant allele frequency, disease prevalence and penetrance estimates, and inheritance mode, an automated score was calculated to assess if this variant is too frequent to cause the disease. Based on the score and internal cut-off values, a variant classified as benign is not then subjected to further curation. The score for this variant resulted in a classification of benign for this disease.

NM_000361.3(THBD):c.*277G>A

Gene: THBD (thrombomodulin; minus strand). Cytogenetic location: 20p11.21.
Variant type: single nucleotide variant.
Coding change: c.*277G>A on transcript NM_000361.3 (MANE Select); 277 bases downstream of the stop codon, G replaced by A.
Molecular consequence: 3 prime UTR variant.
Genome position (GRCh38, 1-based): chr20:23,047,500, C>T on the plus strand (G>A on the coding strand, the complement: THBD is on the minus strand). VCF-style: chr20-23047500-C-T. GRCh37 (hg19) VCF-style: chr20-23028137-C-T.
Identifiers: ClinVar variation 337875 (VCV000337875.6), dbSNP rs3176134, ClinGen allele CA10652404.